The following is an entry in ClinVar:

ClinVar aggregate classification (germline): Uncertain significance (1 of 4 stars; one submission).

Conditions:
Duchenne muscular dystrophy (DMD). Also called: MUSCULAR DYSTROPHY, PSEUDOHYPERTROPHIC PROGRESSIVE, DUCHENNE TYPE; Duchenne Muscular Dystrophy (DMD). Identifiers: Orphanet 98896, MedGen C0013264, MONDO:0010679, OMIM 310200.

Submission:

Labcorp Genetics (formerly Invitae), Labcorp
Classification: Uncertain significance for Duchenne muscular dystrophy. Last evaluated: 2025-07-27. Review status: criteria provided, single submitter. Criteria: Invitae Variant Classification Sherloc (09022015). Collection method: clinical testing. Allele origin: germline.
Comment: This sequence change replaces lysine, which is basic and polar, with isoleucine, which is neutral and non-polar, at codon 105 of the DMD protein (p.Lys105Ile). This variant is not present in population databases (gnomAD no frequency). This variant has not been reported in the literature in individuals affected with DMD-related conditions. ClinVar contains an entry for this variant (Variation ID: 1519361). Invitae Evidence Modeling of protein sequence and biophysical properties (such as structural, functional, and spatial information, amino acid conservation, physicochemical variation, residue mobility, and thermodynamic stability) has been performed for this missense variant. However, the output from this modeling did not meet the statistical confidence thresholds required to predict the impact of this variant on DMD protein function. In summary, the available evidence is currently insufficient to determine the role of this variant in disease. Therefore, it has been classified as a Variant of Uncertain Significance.

NM_004006.3(DMD):c.314A>T (p.Lys105Ile)

Gene: DMD (dystrophin; minus strand). Cytogenetic location: Xp21.1.
Variant type: single nucleotide variant.
Coding change: c.314A>T on transcript NM_004006.3 (MANE Select); coding-DNA position 314, A replaced by T.
Protein change: p.Lys105Ile; replaces lysine 105 with isoleucine.
Molecular consequence: missense variant. On other transcripts: 5 prime UTR variant (1).
Genome position (GRCh38, 1-based): chrX:32,823,338, T>A on the plus strand (A>T on the coding strand, the complement: DMD is on the minus strand). VCF-style: chrX-32823338-T-A. GRCh37 (hg19) VCF-style: chrX-32841455-T-A.
Other names: c.290A>T, p.Lys97Ile (NM_000109.4); c.302A>T, p.Lys101Ile (NM_004009.3); c.-56A>T (NM_004010.3); short protein forms K105I, K97I, K101I.
Identifiers: ClinVar variation 1519361 (VCV001519361.5), dbSNP rs398123928, ClinGen allele CA222369.